The following is an entry in ClinVar:

NM_000350.3(ABCA4):c.1934A>G (p.Asp645Gly)

Gene: ABCA4 (ATP binding cassette subfamily A member 4; minus strand). Cytogenetic location: 1p22.1.
Variant type: single nucleotide variant.
Coding change: c.1934A>G on transcript NM_000350.3 (MANE Select); coding-DNA position 1934, A replaced by G.
Protein change: p.Asp645Gly; replaces aspartic acid 645 with glycine.
Molecular consequence: missense variant.
Genome position (GRCh38, 1-based): chr1:94,062,580, T>C on the plus strand (A>G on the coding strand, the complement: ABCA4 is on the minus strand). VCF-style: chr1-94062580-T-C. GRCh37 (hg19) VCF-style: chr1-94528136-T-C.
Other names: c.1934A>G, p.Asp645Gly (NM_001425324.1); short protein forms D645G.
Identifiers: ClinVar variation 1512870 (VCV001512870.8), dbSNP rs2101077991, ClinGen allele CA341279128.

ClinVar aggregate classification (germline): Likely pathogenic (1 of 4 stars; one submission).

Submission:

Labcorp Genetics (formerly Invitae), Labcorp
Classification: Likely pathogenic. Last evaluated: 2021-09-10. Review status: criteria provided, single submitter. Criteria: Invitae Variant Classification Sherloc (09022015). Collection method: clinical testing. Allele origin: germline.
Comment: This variant is not present in population databases (ExAC no frequency). This sequence change replaces aspartic acid with glycine at codon 645 of the ABCA4 protein (p.Asp645Gly). The aspartic acid residue is highly conserved and there is a moderate physicochemical difference between aspartic acid and glycine. This variant has not been reported in the literature in individuals with ABCA4-related conditions. In summary, the currently available evidence indicates that the variant is pathogenic, but additional data are needed to prove that conclusively. Therefore, this variant has been classified as Likely Pathogenic. This variant disrupts the p.Asp645 amino acid residue in ABCA4. Other variant(s) that disrupt this residue have been determined to be pathogenic (PMID: 9973280, 28559085, 30029497, 29975949, 31144483). This suggests that this residue is clinically significant, and that variants that disrupt this residue are likely to be disease-causing. Algorithms developed to predict the effect of sequence changes on RNA splicing suggest that this variant may create or strengthen a splice site, but this prediction has not been confirmed by published transcriptional studies. Advanced modeling of protein sequence and biophysical properties (such as structural, functional, and spatial information, amino acid conservation, physicochemical variation, residue mobility, and thermodynamic stability) performed at Invitae indicates that this missense variant is expected to disrupt ABCA4 protein function.

Literature cited by the submitters: PubMed 9973280; PubMed 28559085; PubMed 30029497; PubMed 29975949; PubMed 31144483.